The following is an entry in ClinVar:

ClinVar aggregate classification (germline): Uncertain significance. Review status: criteria provided, multiple submitters, no conflicts (2 of 4 stars). 2 submissions from 2 submitters: Uncertain significance (2). Last evaluated 2024-07-31.

Allele frequency attached by ClinVar (database versions not stated): gnomAD 0.00002 and 0.00003; TOPMed 0.00004.
gnomAD v4.1: 65 of 1,594,638 alleles (0.0041%); highest among the groups gnomAD compares: Non-Finnish European, 0.005%; no homozygotes.

Submissions (2):

Labcorp Genetics (formerly Invitae), Labcorp
Classification: Uncertain significance. Last evaluated: 2024-07-31. Review status: criteria provided, single submitter. Criteria: Invitae Variant Classification Sherloc (09022015). Collection method: clinical testing. Allele origin: germline.
Comment: This sequence change affects codon 1294 of the COL11A2 mRNA. It is a 'silent' change, meaning that it does not change the encoded amino acid sequence of the COL11A2 protein. The frequency data for this variant in the population databases is considered unreliable, as metrics indicate poor data quality at this position in the gnomAD database. This variant has not been reported in the literature in individuals affected with COL11A2-related conditions. ClinVar contains an entry for this variant (Variation ID: 1444003). Algorithms developed to predict the effect of sequence changes on RNA splicing suggest that this variant may disrupt the consensus splice site. In summary, the available evidence is currently insufficient to determine the role of this variant in disease. Therefore, it has been classified as a Variant of Uncertain Significance.

GeneDx
Classification: Uncertain significance. Last evaluated: 2023-10-19. Review status: criteria provided, single submitter. Criteria: GeneDx Variant Classification Process June 2021. Collection method: clinical testing. Allele origin: germline. Affected: yes.
Comment: Has not been previously published as pathogenic or benign to our knowledge; In silico analysis supports a deleterious effect on splicing

NM_080680.3(COL11A2):c.3882C>T (p.Gly1294=)

Gene: COL11A2 (collagen type XI alpha 2 chain; minus strand). Cytogenetic location: 6p21.32.
Variant type: single nucleotide variant.
Coding change: c.3882C>T on transcript NM_080680.3 (MANE Select); coding-DNA position 3882, C replaced by T.
Protein change: p.Gly1294=; no amino-acid change (glycine 1294 retained).
Molecular consequence: synonymous variant.
Genome position (GRCh38, 1-based): chr6:33,168,730, G>A on the plus strand (C>T on the coding strand, the complement: COL11A2 is on the minus strand). VCF-style: chr6-33168730-G-A. GRCh37 (hg19) VCF-style: chr6-33136507-G-A.
Other names: c.3561C>T, p.Gly1187= (NM_080679.3); c.3624C>T, p.Gly1208= (NM_080681.3).
Identifiers: ClinVar variation 1444003 (VCV001444003.6), dbSNP rs752282200, ClinGen allele CA3750327.